The following is an entry in ClinVar:

NM_000443.4(ABCB4):c.164T>C (p.Leu55Ser)

Gene: ABCB4 (ATP binding cassette subfamily B member 4; minus strand). Cytogenetic location: 7q21.12.
Variant type: single nucleotide variant.
Coding change: c.164T>C on transcript NM_000443.4 (MANE Select); coding-DNA position 164, T replaced by C.
Protein change: p.Leu55Ser; replaces leucine 55 with serine.
Molecular consequence: missense variant.
Genome position (GRCh38, 1-based): chr7:87,462,880, A>G on the plus strand (T>C on the coding strand, the complement: ABCB4 is on the minus strand). VCF-style: chr7-87462880-A-G. GRCh37 (hg19) VCF-style: chr7-87092196-A-G.
Other names: c.164T>C, p.Leu55Ser (NM_018849.3, NM_018850.3); short protein forms L55S.
Identifiers: ClinVar variation 4846540 (VCV004846540.1).

ClinVar aggregate classification (germline): Uncertain significance (1 of 4 stars; one submission).

Conditions:
Familial intrahepatic cholestasis. Identifiers: Orphanet 284385, MedGen CN296401, MONDO:0017290.

Submission:

Genomenon, Inc
Classification: Uncertain significance for Familial intrahepatic cholestasis. Last evaluated: 2026-04-14. Review status: criteria provided, single submitter. Criteria: Genomenon Sequence Variant Interpretation Standards - Updated. Collection method: curation. Allele origin: germline. Affected: yes.
Comment: ABCB4 p.Leu55Ser (c.164T>C) is a missense variant that changes the amino acid at residue 55 from Leucine to Serine. This variant has been observed in at least one proband with an ABCB4-related disorder (PMID:38610052). It is absent or not present at a significant frequency in gnomAD. In conclusion, we classify ABCB4 p.Leu55Ser (c.164T>C) as a variant of uncertain significance.

Literature cited by the submitters: PubMed 38610052.